The following is an entry in ClinVar:

ClinVar aggregate classification (germline): Likely benign (1 of 4 stars; one submission).

Allele frequency attached by ClinVar (database versions not stated): ESP Exome Variant Server 0.00009.
gnomAD v4.1: 23 of 1,138,128 alleles (0.002%); highest among the groups gnomAD compares: Non-Finnish European, 0.0027%; no homozygotes.

Submission:

GeneDx
Classification: Likely benign. Last evaluated: 2016-03-29. Review status: criteria provided, single submitter. Criteria: GeneDx Variant Classification (06012015). Collection method: clinical testing. Allele origin: germline. Affected: yes.
Comment: This variant is considered likely benign or benign based on one or more of the following criteria: it is a conservative change, it occurs at a poorly conserved position in the protein, it is predicted to be benign by multiple in silico algorithms, and/or has population frequency not consistent with disease.

NM_000531.6(OTC):c.298+9A>G

Gene: OTC (ornithine transcarbamylase; plus strand). Cytogenetic location: Xp11.4.
Variant type: single nucleotide variant.
Coding change: c.298+9A>G on transcript NM_000531.6 (MANE Select); 9 bases into the intron after coding-DNA position 298, A replaced by G.
Molecular consequence: intron variant.
Genome position (GRCh38, 1-based): chrX:38,369,886, A>G. VCF-style: chrX-38369886-A-G. GRCh37 (hg19) VCF-style: chrX-38229139-A-G.
Identifiers: ClinVar variation 384570 (VCV000384570.1), dbSNP rs376393166, ClinGen allele CA10385820.